The following is an entry in ClinVar:

NM_199420.4(POLQ):c.6065G>A (p.Gly2022Glu)

Gene: POLQ (DNA polymerase theta; minus strand). Cytogenetic location: 3q13.33.
Variant type: single nucleotide variant.
Coding change: c.6065G>A on transcript NM_199420.4 (MANE Select); coding-DNA position 6065, G replaced by A.
Protein change: p.Gly2022Glu; replaces glycine 2022 with glutamic acid.
Molecular consequence: missense variant.
Genome position (GRCh38, 1-based): chr3:121,481,718, C>T on the plus strand (G>A on the coding strand, the complement: POLQ is on the minus strand). VCF-style: chr3-121481718-C-T. GRCh37 (hg19) VCF-style: chr3-121200565-C-T.
Other names: short protein forms G2022E.
Identifiers: ClinVar variation 3422437 (VCV003422437.1).

ClinVar aggregate classification (germline): Uncertain significance (1 of 4 stars; one submission).

Submission:

Ambry Genetics
Classification: Uncertain significance. Last evaluated: 2024-07-06. Review status: criteria provided, single submitter. Criteria: Ambry Variant Classification Scheme 2023. Collection method: clinical testing. Allele origin: germline.
Comment: The p.G2022E variant (also known as c.6065G>A), located in coding exon 19 of the POLQ gene, results from a G to A substitution at nucleotide position 6065. The glycine at codon 2022 is replaced by glutamic acid, an amino acid with similar properties. This amino acid position is conserved. In addition, this alteration is predicted to be tolerated by in silico analysis. Based on the available evidence, the clinical significance of this variant remains unclear.